The following is an entry in ClinVar:

ClinVar aggregate classification (germline): Pathogenic/Likely pathogenic. Review status: criteria provided, multiple submitters, no conflicts (2 of 4 stars). 4 submissions from 4 submitters: Pathogenic (2); Likely pathogenic (2). Last evaluated 2025-09-23.

Conditions:
Anterior segment dysgenesis 6 (ASGD6). Also called: Anterior segment dysgenesis 6, multiple subtypes. Identifiers: MedGen C4310623, MONDO:0015016, OMIM 617315.
Glaucoma 3A. Also called: Glaucoma 3, primary congenital, A. Identifiers: Orphanet 98976, Orphanet 98977, MedGen C1856439, MONDO:0009277, OMIM 231300.
Congenital glaucoma. Identifiers: MedGen C0020302, MONDO:0020366.

Submissions (4):

First Genomix Gene Laboratory, Genetic Diagnostics Department
Classification: Pathogenic for Anterior segment dysgenesis 6; Glaucoma 3A. Last evaluated: 2025-09-23. Review status: criteria provided, single submitter. Criteria: ACMG Guidelines, 2015. Collection method: clinical testing. Allele origin: germline. Inheritance: Autosomal recessive inheritance. Affected: no. Observed: 1 variant allele.

Dasa
Classification: Likely pathogenic. Last evaluated: 2025-09-04. Review status: criteria provided, single submitter. Criteria: DASA Assertion Criteria. Collection method: clinical testing. Allele origin: germline.
Comment: NM_000104.4(CYP1B1):c.1377_1378del (p.Arg459SerfsTer18) is a frameshift variant in CYP1B1 predicted to alter the reading frame and introduce a premature termination codon and is predicted to result in an absent or altered protein product. Loss of function is an established disease mechanism for CYP1B1-associated disorders. This variant has been reported in individuals with CYP1B1-related disorders (PMID: 12036985). Also, this variant is rare in population databases. Based on the currently available evidence, this variant is classified as likely pathogenic.

Baylor Genetics
Classification: Likely pathogenic for Anterior segment dysgenesis 6. Last evaluated: 2023-11-22. Review status: criteria provided, single submitter. Criteria: ACMG Guidelines, 2015. Collection method: clinical testing. Allele origin: unknown.

Labcorp Genetics (formerly Invitae), Labcorp
Classification: Pathogenic for Congenital glaucoma. Last evaluated: 2022-12-29. Review status: criteria provided, single submitter. Criteria: Invitae Variant Classification Sherloc (09022015). Collection method: clinical testing. Allele origin: germline.
Comment: This sequence change creates a premature translational stop signal (p.Arg459Serfs*18) in the CYP1B1 gene. While this is not anticipated to result in nonsense mediated decay, it is expected to disrupt the last 85 amino acid(s) of the CYP1B1 protein. This variant is not present in population databases (gnomAD no frequency). For these reasons, this variant has been classified as Pathogenic. This variant disrupts a region of the CYP1B1 protein in which other variant(s) (p.Arg469Trp) have been determined to be pathogenic (PMID: 9463332, 10655546, 18852424, 19234632). This suggests that this is a clinically significant region of the protein, and that variants that disrupt it are likely to be disease-causing. This variant is also known as 8214_8215delAG. This premature translational stop signal has been observed in individual(s) with primary congenital glaucoma (PMID: 12036985).

Literature cited by the submitters: PubMed 12036985 (cited by Dasa and Labcorp Genetics (formerly Invitae), Labcorp); PubMed 9463332 (cited by Labcorp Genetics (formerly Invitae), Labcorp); PubMed 10655546 (cited by Labcorp Genetics (formerly Invitae), Labcorp); PubMed 18852424 (cited by Labcorp Genetics (formerly Invitae), Labcorp); PubMed 19234632 (cited by Labcorp Genetics (formerly Invitae), Labcorp).

NM_000104.4(CYP1B1):c.1377_1378del (p.Arg459fs)

Genes: CYP1B1 (cytochrome P450 family 1 subfamily B member 1; minus strand), LOC128772254 (melanoma risk locus-associated MPRA allelic enhancer 2:38298139; plus strand). Cytogenetic location: 2p22.2.
Variant type: Microsatellite.
Coding change: c.1377_1378del on transcript NM_000104.4 (MANE Select); coding-DNA positions 1377 to 1378, 2 bases deleted (AG; older notation c.1377_1378delAG).
Protein change: p.Arg459fs; shifts the reading frame from arginine 459.
Molecular consequence: frameshift variant.
Genome position (GRCh38, 1-based): chr2:38,070,976-38,070,977, CT deleted on the plus strand (AG on the coding strand, the reverse complement: CYP1B1 is on the minus strand); deleting any 2 consecutive bases within chr2:38,070,976-38,070,979 gives the same sequence; the c. name uses the placement nearest the transcript's 3' end. VCF-style (leftmost placement, unchanged base first): chr2-38070975-ACT-A. GRCh37 (hg19) VCF-style: chr2-38298118-ACT-A.
Other names: short protein forms R459fs.
Identifiers: ClinVar variation 2734162 (VCV002734162.6), dbSNP rs2465878545, ClinGen allele CA2586969059.